The following is an entry in ClinVar:

NM_000444.6(PHEX):c.1184_1185dup (p.Thr396fs)

Gene: PHEX (phosphate regulating endopeptidase X-linked; plus strand). Cytogenetic location: Xp22.11.
Variant type: Duplication.
Coding change: c.1184_1185dup on transcript NM_000444.6 (MANE Select); coding-DNA positions 1184 to 1185, 2 bases duplicated (GG; older notation c.1184_1185dupGG).
Protein change: p.Thr396fs; shifts the reading frame from threonine 396.
Molecular consequence: frameshift variant.
Genome position (GRCh38, 1-based): chrX:22,114,468-22,114,469, GG duplicated; duplicating any 2 consecutive bases within chrX:22,114,466-22,114,469 gives the same sequence; the c. name uses the placement nearest the transcript's 3' end. VCF-style (leftmost placement, unchanged base first): chrX-22114465-A-AGG. GRCh37 (hg19) VCF-style: chrX-22132583-A-AGG.
Other names: c.1184_1185dup, p.Thr396fs (NM_001282754.2); short protein forms T396fs.
Identifiers: ClinVar variation 805125 (VCV000805125.4), dbSNP rs1602307030, ClinGen allele CA915950852.

ClinVar aggregate classification (germline): Pathogenic. Review status: criteria provided, multiple submitters, no conflicts (2 of 4 stars). 2 submissions from 2 submitters: Pathogenic (2). Last evaluated 2023-07-12.

Submissions (2):

Labcorp Genetics (formerly Invitae), Labcorp
Classification: Pathogenic. Last evaluated: 2023-07-12. Review status: criteria provided, single submitter. Criteria: Invitae Variant Classification Sherloc (09022015). Collection method: clinical testing. Allele origin: germline.
Comment: For these reasons, this variant has been classified as Pathogenic. ClinVar contains an entry for this variant (Variation ID: 805125). This variant has not been reported in the literature in individuals affected with PHEX-related conditions. This variant is not present in population databases (gnomAD no frequency). This sequence change creates a premature translational stop signal (p.Thr396Glyfs*13) in the PHEX gene. It is expected to result in an absent or disrupted protein product. Loss-of-function variants in PHEX are known to be pathogenic (PMID: 9097956, 9106524, 19219621).

Athena Diagnostics
Classification: Pathogenic. Last evaluated: 2018-11-20. Review status: criteria provided, single submitter. Criteria: Athena Diagnostics Criteria. Collection method: clinical testing. Allele origin: germline.
Comment: The variant results in a shift of the reading frame, and is therefore predicted to result in the loss of a functional protein. Found in at least one symptomatic patient, and not found in general population data.

Literature cited by the submitters: PubMed 9097956 (cited by Labcorp Genetics (formerly Invitae), Labcorp); PubMed 9106524 (cited by Labcorp Genetics (formerly Invitae), Labcorp); PubMed 19219621 (cited by Labcorp Genetics (formerly Invitae), Labcorp).